The following is an entry in ClinVar:

ClinVar aggregate classification (germline): Conflicting classifications of pathogenicity. Review status: criteria provided, conflicting classifications (1 of 4 stars). 6 submissions from 6 submitters: Uncertain significance (2); Likely benign (2). 2 of the submissions do not count toward it. Last evaluated 2026-02-01.

Conditions:
PEX1-related disorder. Also called: PEX1-related condition.
Peroxisome biogenesis disorder 1A (Zellweger) (PBD1A). Also called: Zellweger leukodystrophy; Peroxisome biogenesis disorder 1a. Identifiers: MedGen C4721541, MONDO:0008953, OMIM 214100.
Zellweger spectrum disorders (ZS). Also called: Zellweger syndrome; Zellweger Spectrum Disorder (ZSD); Zellweger Spectrum Disorder; Zellweger Spectrum. Identifiers: Orphanet 912, MedGen C0043459, MONDO:0019609.

Allele frequency attached by ClinVar (database versions not stated): gnomAD below 0.00001 and 0.00011; TOPMed 0.00002; gnomAD exomes 0.00052; 1000 Genomes Project 0.00060; ExAC 0.00061; 1000 Genomes Project 30x 0.00094.

Submissions (6):

Labcorp Genetics (formerly Invitae), Labcorp
Classification: Likely benign for Zellweger spectrum disorders. Last evaluated: 2026-02-01. Review status: criteria provided, single submitter. Criteria: Invitae Variant Classification Sherloc (09022015). Collection method: clinical testing. Allele origin: germline.

Blueprint Genetics
Classification: Likely benign. Last evaluated: 2024-10-16. Review status: criteria provided, single submitter. Criteria: ACMG Guidelines, 2015. Collection method: clinical testing. Allele origin: germline.

Eurofins Ntd Llc (ga)
Classification: Uncertain significance. Last evaluated: 2018-04-24. Review status: criteria provided, single submitter. Criteria: EGL ClinVar v180209 classification definitions. Collection method: clinical testing. Allele origin: germline. Observed: 3 variant alleles, 3 heterozygotes.

Illumina Laboratory Services, Illumina
Classification: Uncertain significance for Peroxisome biogenesis disorder 1A (Zellweger). Last evaluated: 2018-01-13. Review status: criteria provided, single submitter. Criteria: ICSL Variant Classification Criteria 13 December 2019. Collection method: clinical testing. Allele origin: germline.

PreventionGenetics, part of Exact Sciences
Classification: Likely benign for PEX1-related condition. Last evaluated: 2022-10-19. Review status: no assertion criteria provided. Collection method: clinical testing. Allele origin: germline. Not counted in ClinVar's aggregate classification.
Comment: This variant is classified as likely benign based on ACMG/AMP sequence variant interpretation guidelines (Richards et al. 2015 PMID: 25741868, with internal and published modifications).

Natera, Inc.
Classification: Likely benign for Zellweger syndrome. Last evaluated: 2020-09-16. Review status: no assertion criteria provided. Collection method: clinical testing. Allele origin: germline. Not counted in ClinVar's aggregate classification.

NM_000466.3(PEX1):c.1380A>C (p.Glu460Asp)

Gene: PEX1 (peroxisomal biogenesis factor 1; minus strand). Cytogenetic location: 7q21.2.
Variant type: single nucleotide variant.
Coding change: c.1380A>C on transcript NM_000466.3 (MANE Select); coding-DNA position 1380, A replaced by C.
Protein change: p.Glu460Asp; replaces glutamic acid 460 with aspartic acid.
Molecular consequence: missense variant.
Genome position (GRCh38, 1-based): chr7:92,511,683, T>G on the plus strand (A>C on the coding strand, the complement: PEX1 is on the minus strand). VCF-style: chr7-92511683-T-G. GRCh37 (hg19) VCF-style: chr7-92140997-T-G.
Other names: c.1380A>C, p.Glu460Asp (NM_001282677.2); c.756A>C, p.Glu252Asp (NM_001282678.2); short protein forms E460D, E252D.
Identifiers: ClinVar variation 360928 (VCV000360928.23), dbSNP rs565049190, ClinGen allele CA4341409.